The following is an entry in ClinVar:

NM_018136.5(ASPM):c.1474A>G (p.Ile492Val)

Gene: ASPM (assembly factor for spindle microtubules; minus strand). Cytogenetic location: 1q31.3.
Variant type: single nucleotide variant.
Coding change: c.1474A>G on transcript NM_018136.5 (MANE Select); coding-DNA position 1474, A replaced by G.
Protein change: p.Ile492Val; replaces isoleucine 492 with valine.
Molecular consequence: missense variant.
Genome position (GRCh38, 1-based): chr1:197,142,778, T>C on the plus strand (A>G on the coding strand, the complement: ASPM is on the minus strand). VCF-style: chr1-197142778-T-C. GRCh37 (hg19) VCF-style: chr1-197111908-T-C.
Other names: c.1474A>G, p.Ile492Val (NM_001206846.2); c.1474A>G (NM_018136.4); short protein forms I492V.
Identifiers: ClinVar variation 1501370 (VCV001501370.8), dbSNP rs149075351, ClinGen allele CA1310704.

ClinVar aggregate classification (germline): Uncertain significance. Review status: criteria provided, multiple submitters, no conflicts (2 of 4 stars). 3 submissions from 3 submitters: Uncertain significance (3). Last evaluated 2023-04-11.

Conditions:
Inborn genetic diseases. Identifiers: MedGen C0950123, MeSH D030342.
Microcephaly 5, primary, autosomal recessive (MCPH5). Also called: ASPM Primary Microcephaly. Identifiers: Orphanet 2512, MedGen C1837501, MONDO:0012106, OMIM 608716.

Allele frequency attached by ClinVar (database versions not stated): ExAC 0.00003; gnomAD 0.00004; gnomAD exomes 0.00005 and 0.00015; TOPMed 0.00005; ESP Exome Variant Server 0.00008.
gnomAD v4.1: 220 of 1,613,564 alleles (0.014%); highest among the groups gnomAD compares: East Asian, 0.022%; no homozygotes.

Submissions (3):

Ambry Genetics
Classification: Uncertain significance for Inborn genetic diseases. Last evaluated: 2023-04-11. Review status: criteria provided, single submitter. Criteria: Ambry Variant Classification Scheme 2023. Collection method: clinical testing. Allele origin: germline.

Genome-Nilou Lab
Classification: Uncertain significance for Microcephaly 5, primary, autosomal recessive. Last evaluated: 2023-04-11. Review status: criteria provided, single submitter. Criteria: ACMG Guidelines, 2015. Collection method: clinical testing. Allele origin: germline. Affected: no.

Labcorp Genetics (formerly Invitae), Labcorp
Classification: Uncertain significance. Last evaluated: 2021-05-19. Review status: criteria provided, single submitter. Criteria: Invitae Variant Classification Sherloc (09022015). Collection method: clinical testing. Allele origin: germline.
Comment: In summary, the available evidence is currently insufficient to determine the role of this variant in disease. Therefore, it has been classified as a Variant of Uncertain Significance. Algorithms developed to predict the effect of missense changes on protein structure and function (SIFT, PolyPhen-2, Align-GVGD) all suggest that this variant is likely to be tolerated, but these predictions have not been confirmed by published functional studies and their clinical significance is uncertain. This variant has not been reported in the literature in individuals with ASPM-related conditions. This variant is present in population databases (rs149075351, ExAC 0.01%). This sequence change replaces isoleucine with valine at codon 492 of the ASPM protein (p.Ile492Val). The isoleucine residue is moderately conserved and there is a small physicochemical difference between isoleucine and valine.